The following is an entry in ClinVar:

ClinVar aggregate classification (germline): Benign/Likely benign. Review status: criteria provided, multiple submitters, no conflicts (2 of 4 stars). 5 submissions from 5 submitters: Benign (3); Likely benign (2). Last evaluated 2026-09-12.

Conditions:
ARHGEF10-related disorder. Also called: ARHGEF10-related condition.

Allele frequency attached by ClinVar (database versions not stated): gnomAD exomes 0.00038 and 0.00097; ExAC 0.00122; 1000 Genomes Project 30x 0.00203; 1000 Genomes Project 0.00240; gnomAD 0.00330 and 0.00355; ESP Exome Variant Server 0.00377; TOPMed 0.00395.
gnomAD v4.1: 1,099 of 1,614,064 alleles (0.068%); highest among the groups gnomAD compares: African/African-American, 1.2%; 8 homozygotes.

Submissions (5):

PreventionGenetics, part of Exact Sciences
Classification: Benign for ARHGEF10-related condition. Last evaluated: 2026-09-12. Review status: criteria provided, single submitter. Criteria: ACMG Guidelines, 2015. Collection method: clinical testing. Allele origin: germline.
Comment: This variant is classified as benign based on ACMG/AMP sequence variant interpretation guidelines (Richards et al. 2015 PMID: 25741868, with internal and published modifications).

Labcorp Genetics (formerly Invitae), Labcorp
Classification: Benign. Last evaluated: 2026-01-27. Review status: criteria provided, single submitter. Criteria: Invitae Variant Classification Sherloc (09022015). Collection method: clinical testing. Allele origin: germline.

Blueprint Genetics
Classification: Likely benign. Last evaluated: 2024-11-11. Review status: criteria provided, single submitter. Criteria: ACMG Guidelines, 2015. Collection method: clinical testing. Allele origin: germline.

CeGaT Center for Human Genetics Tuebingen
Classification: Likely benign. Last evaluated: 2023-11-01. Review status: criteria provided, single submitter. Criteria: CeGaT Center For Human Genetics Tuebingen Variant Classification Criteria Version 2. Collection method: clinical testing. Allele origin: germline. Affected: yes. Observed: 1 variant allele.
Comment: ARHGEF10: BP4, BP7, BS1

Breakthrough Genomics
Classification: Benign. Review status: criteria provided, single submitter. Criteria: ACMG Guidelines, 2015. Collection method: not provided. Allele origin: germline. Inheritance: Autosomal dominant inheritance. Affected: yes.

NM_014629.4(ARHGEF10):c.1140A>G (p.Glu380=)

Gene: ARHGEF10 (Rho guanine nucleotide exchange factor 10; plus strand). Cytogenetic location: 8p23.3.
Variant type: single nucleotide variant.
Coding change: c.1140A>G on transcript NM_014629.4 (MANE Select); coding-DNA position 1140, A replaced by G.
Protein change: p.Glu380=; no amino-acid change (glutamic acid 380 retained).
Molecular consequence: synonymous variant.
Genome position (GRCh38, 1-based): chr8:1,885,665, A>G. VCF-style: chr8-1885665-A-G. GRCh37 (hg19) VCF-style: chr8-1833831-A-G.
Other names: c.1140A>G (NM_014629.3); c.1026A>G, p.Glu342= (NM_001308152.2); c.1143A>G, p.Glu381= (NM_001308153.3).
Identifiers: ClinVar variation 1615052 (VCV001615052.34), dbSNP rs147931758, ClinGen allele CA4600226.